The following is an entry in ClinVar:

ClinVar aggregate classification (germline): Benign. Review status: criteria provided, multiple submitters, no conflicts (2 of 4 stars). 15 submissions from 15 submitters: Benign (11). 4 of the submissions do not count toward it. Last evaluated 2026-02-04.

Conditions:
Periodontitis. Identifiers: MedGen C0031099, MONDO:0005076, HP:0000704.
Vitamin D-dependent rickets type II with alopecia (VDDR2A). Also called: Vitamin D-dependent rickets, type 2A; GENERALIZED RESISTANCE TO 1,25-DIHYDROXYVITAMIN D; HYPOCALCEMIC VITAMIN D-RESISTANT RICKETS; PDDR IIA; PSEUDOVITAMIN D-DEFICIENCY, TYPE IIA; RICKETS, HEREDITARY VITAMIN D-RESISTANT. Identifiers: Orphanet 93160, MedGen C0342646, MONDO:0010186, OMIM 277440.

Allele frequency attached by ClinVar (database versions not stated): gnomAD exomes 0.62921 and 0.62484; TOPMed 0.66013; gnomAD 0.66130 and 0.66221; 1000 Genomes Project 0.67153; ESP Exome Variant Server 0.67315; ExAC 0.63756; 1000 Genomes Project 30x 0.66989.

Submissions (15):

Labcorp Genetics (formerly Invitae), Labcorp
Classification: Benign. Last evaluated: 2026-02-04. Review status: criteria provided, single submitter. Criteria: Invitae Variant Classification Sherloc (09022015). Collection method: clinical testing. Allele origin: germline.

Women's Health and Genetics/Laboratory Corporation of America, LabCorp
Classification: Benign. Last evaluated: 2026-01-08. Review status: criteria provided, single submitter. Criteria: LabCorp Variant Classification Summary - May 2015. Collection method: clinical testing. Allele origin: germline.
Comment: Variant summary: VDR c.2T>C (p.Met1Thr) alters the initiation codon and is predicted to result either in absence of the protein or truncation of the encoded protein due to translation initiation at a downstream codon. The variant allele was found at a frequency of 0.63 in 250932 control chromosomes, suggesting that it is the major allele and therefore benign. The observed variant frequency exceeds the estimated maximal expected allele frequency for disease-causing variants in VDR. To our knowledge, no occurrence of c.2T>C in individuals affected with VDR-related conditions and no experimental evidence demonstrating its impact on protein function have been reported. ClinVar contains an entry for this variant (Variation ID: 308887). Based on the evidence outlined above, the variant was classified as benign.

Laboratory of Genetics, Children's Clinical University Hospital Latvia
Classification: Benign. Last evaluated: 2025-02-16. Review status: criteria provided, single submitter. Criteria: ACMG Guidelines, 2015. Collection method: clinical testing. Allele origin: germline. Affected: yes.

Blueprint Genetics
Classification: Benign. Last evaluated: 2024-11-27. Review status: criteria provided, single submitter. Criteria: ACMG Guidelines, 2015. Collection method: clinical testing. Allele origin: germline.

Department of Pathology and Laboratory Medicine, Sinai Health System
Classification: Benign for Vitamin D-dependent rickets type II with alopecia. Last evaluated: 2023-04-17. Review status: criteria provided, single submitter. Criteria: ACMG Guidelines, 2015. Collection method: research. Allele origin: germline.

Mayo Clinic Laboratories, Mayo Clinic
Classification: Benign. Last evaluated: 2022-09-23. Review status: criteria provided, single submitter. Criteria: ACMG Guidelines, 2015. Collection method: clinical testing. Allele origin: germline. Observed: 151 variant alleles.
Comment: BA1

Genome-Nilou Lab
Classification: Benign for Vitamin D-dependent rickets type II with alopecia. Last evaluated: 2021-12-05. Review status: criteria provided, single submitter. Criteria: ACMG Guidelines, 2015. Collection method: clinical testing. Allele origin: germline. Affected: no.

Mendelics
Classification: Benign for Vitamin D-dependent rickets type II with alopecia. Last evaluated: 2019-05-28. Review status: criteria provided, single submitter. Criteria: Mendelics Assertion Criteria 2017. Collection method: clinical testing. Allele origin: unknown.

GeneDx
Classification: Benign. Last evaluated: 2018-08-16. Review status: criteria provided, single submitter. Criteria: GeneDx Variant Classification Process June 2021. Collection method: clinical testing. Allele origin: germline. Affected: yes.
Comment: This variant is associated with the following publications: (PMID: 16019132, 12807755, 20473893, 18752562, 19131500, 15899948, 21283672, 21814771, 18763633, 9169350, 23855914, 30092343, 27939971, 21820934, 29506625, 22181683, 23286944, 24078452, 24702903, 24771013, 27683185)

Illumina Laboratory Services, Illumina
Classification: Benign for Vitamin D-dependent rickets type II with alopecia. Last evaluated: 2018-03-06. Review status: criteria provided, single submitter. Criteria: ICSL Variant Classification Criteria 13 December 2019. Collection method: clinical testing. Allele origin: germline.
Comment: This variant was observed in the ICSL laboratory as part of a predisposition screen in an ostensibly healthy population. It had not been previously curated by ICSL or reported in the Human Gene Mutation Database (HGMD: prior to June 1st, 2018), and was therefore a candidate for classification through an automated scoring system. Utilizing variant allele frequency, disease prevalence and penetrance estimates, and inheritance mode, an automated score was calculated to assess if this variant is too frequent to cause the disease. Based on the score and internal cut-off values, a variant classified as benign is not then subjected to further curation. The score for this variant resulted in a classification of benign for this disease.

Laboratory for Molecular Medicine, Mass General Brigham Personalized Medicine
Classification: Benign. Last evaluated: 2016-02-17. Review status: criteria provided, single submitter. Criteria: LMM Criteria. Collection method: clinical testing. Allele origin: germline. Observed: 1 variant allele.
Comment: This is a RefSeq error, the reference base (c.152T) is the minor allele. This a llele (T) has been identified in 48% (5540/11550) of Latino chromosomes by the E xome Aggregation Consortium (ExAC; dbSNP rs22285 70) and thus meets the criteria to be classified as benign.

Genetics Laboratory, Lanzhou University
Classification: Benign for periodontitis. Last evaluated: 2023-04-20. Review status: no assertion criteria provided. Collection method: case-control. Allele origin: germline. Affected: yes. Not counted in ClinVar's aggregate classification.

Diagnostic Laboratory, Department of Genetics, University Medical Center Groningen
Classification: Benign. Review status: no assertion criteria provided. Collection method: clinical testing. Allele origin: germline. Affected: yes. Study: VKGL Data-share Consensus. Not counted in ClinVar's aggregate classification.

Joint Genome Diagnostic Labs from Nijmegen and Maastricht, Radboudumc and MUMC+
Classification: Benign. Review status: no assertion criteria provided. Collection method: clinical testing. Allele origin: germline. Affected: yes. Study: VKGL Data-share Consensus. Not counted in ClinVar's aggregate classification.

Laboratory of Cyto-molecular Genetics, Department of Anatomy, All India Institute of Medical Sciences (AIIMS), New Delhi
Classification: Likely pathogenic for Vitamin D-dependent rickets type II with alopecia. Last evaluated: 2022-03-07. Review status: flagged submission. Criteria: ACMG Guidelines, 2015. Collection method: clinical testing. Allele origin: germline. Affected: yes. Observed: 2 variant alleles. Not counted in ClinVar's aggregate classification.
Comment: p.(Met1?), missense variant
ClinVar note: Reason: Outlier claim with insufficient supporting evidence

Literature cited by the submitters: PubMed 35738466 (cited by Laboratory of Cyto-molecular Genetics, Department of Anatomy, All India Institute of Medical Sciences (AIIMS), New Delhi).

NM_000376.3(VDR):c.2T>C (p.Met1Thr)

Gene: VDR (vitamin D receptor; minus strand). Cytogenetic location: 12q13.11.
Variant type: single nucleotide variant.
Coding change: c.2T>C on transcript NM_000376.3 (MANE Select); coding-DNA position 2, T replaced by C.
Protein change: p.Met1Thr; changes the start codon (methionine 1).
Molecular consequence: missense variant, initiator codon variant.
Genome position (GRCh38, 1-based): chr12:47,879,112, A>G on the plus strand (T>C on the coding strand, the complement: VDR is on the minus strand). VCF-style: chr12-47879112-A-G. GRCh37 (hg19) VCF-style: chr12-48272895-A-G.
Other names: p.Met1?; c.2T>C, p.Met1Thr (NM_001017535.2, NM_001364085.2, NM_001374661.1 and 1 more transcripts); c.152T>C, p.Met51Thr (NM_001017536.2); short protein forms M1T, M51T.
Identifiers: ClinVar variation 308887 (VCV000308887.37), dbSNP rs2228570, ClinGen allele CA6534113.
Genomic context (GRCh38, chr12:47,879,112, plus strand): 5'-GGCACGTTCCGGTCAAAGTCTCCAGGGTCAGGCAGGGAAGTGCTGGCCGCCATTGCCTCC[A>G]TCCCTGTAAGAACAGCAAGCAGGCCACGGTCAGAGCCAGAGTCAGTGCCAGGGCCAGCTG-3'
Protein context (NP_000367.1, residues 1-11): [Met1Thr]EAMAASTSLP